The following is an entry in ClinVar:

ClinVar aggregate classification (germline): Pathogenic (1 of 4 stars; one submission).

Conditions:
Mucopolysaccharidosis, MPS-II (MPS2). Also called: Hunter Syndrome; IDURONATE 2-SULFATASE DEFICIENCY; Mucopolysaccharidosis Type II; Mucopolysaccharidosis type 2; Attenuated MPS (subtype; formerly known as mild MPS II); Severe MPS II. Identifiers: Orphanet 580, Orphanet 79388, MedGen C0026705, MONDO:0010674, OMIM 309900.

Submission:

Laboratory of Diagnosis and Therapy of Lysosomal Disorders, University of Padova
Classification: Pathogenic for Mucopolysaccharidosis, MPS-II. Last evaluated: 2024-06-07. Review status: criteria provided, single submitter. Criteria: ACMG Guidelines, 2015. Collection method: literature only. Allele origin: germline. Affected: yes. Observed: 1 variant allele.
Comment: Located in a mutational hot spot and/or critical functional domain (PM1_Moderate), Absent from controls (or at low frequency) in gnomAD database (PM2_Moderate), Missense variant in a gene with a low rate of benign missense variation (PP2_Supporting), Multiple lines of computational evidence support a deleterious effect (PP3_Supporting), Patient’s phenotype or family history highly specific for the disease (PP4_Strong)

Classification method: ACMG Guidelines [PMID:25741868] with modifications

Literature cited by the submitters: PubMed 22976768.

NM_000202.8(IDS):c.262C>A (p.Arg88Ser)

Gene: IDS (iduronate 2-sulfatase; minus strand). Cytogenetic location: Xq28.
Variant type: single nucleotide variant.
Coding change: c.262C>A on transcript NM_000202.8 (MANE Select); coding-DNA position 262, C replaced by A.
Protein change: p.Arg88Ser; replaces arginine 88 with serine.
Molecular consequence: missense variant. On other transcripts: non-coding transcript variant (1), intron variant (1).
Genome position (GRCh38, 1-based): chrX:149,503,468, G>T on the plus strand (C>A on the coding strand, the complement: IDS is on the minus strand). VCF-style: chrX-149503468-G-T. GRCh37 (hg19) VCF-style: chrX-148584998-G-T.
Other names: c.262C>A, p.Arg88Ser (NM_006123.5); c.15-23C>A (NM_001166550.4); short protein forms R88S.
Identifiers: ClinVar variation 3255641 (VCV003255641.2).